The following is an entry in ClinVar:

ClinVar aggregate classification (germline): Conflicting classifications of pathogenicity. Review status: criteria provided, conflicting classifications (1 of 4 stars). 2 submissions from 2 submitters: Uncertain significance (1); Benign (1). Last evaluated 2023-11-13.

Conditions:
Lethal congenital glycogen storage disease of heart. Also called: GLYCOGEN STORAGE DISEASE OF HEART; PHOSPHORYLASE KINASE DEFICIENCY OF HEART. Identifiers: Orphanet 439854, MedGen C1849813, MONDO:0009867, OMIM 261740.
Cardiomyopathy (CMYO). Also called: Cardiomyopathies. Identifiers: Orphanet 167848, MedGen C0878544, MONDO:0004994, HP:0001638. Inheritance: Various modes of inheritance.

Allele frequency attached by ClinVar (database versions not stated): gnomAD exomes below 0.00001; gnomAD 0.00001.
gnomAD v4.1: 1 of 1,609,542 alleles (0.000062%); highest among the groups gnomAD compares: East Asian, 0.0022%; no homozygotes.

Submissions (2):

Color Diagnostics, LLC DBA Color Health
Classification: Uncertain significance for Cardiomyopathy. Last evaluated: 2023-11-13. Review status: criteria provided, single submitter. Criteria: ACMG Guidelines, 2015. Collection method: clinical testing. Allele origin: germline.
Comment: This missense variant replaces lysine with arginine at codon 23 of the PRKAG2 protein. Computational prediction tools indicate that this variant has a neutral impact on protein structure and function. To our knowledge, functional studies have not been reported for this variant. This variant has not been reported in individuals affected with PRKAG2-related disorders in the literature. This variant has been identified in 1/247918 chromosomes in the general population by the Genome Aggregation Database (gnomAD). The available evidence is insufficient to determine the role of this variant in disease conclusively. Therefore, this variant is classified as a Variant of Uncertain Significance.

Labcorp Genetics (formerly Invitae), Labcorp
Classification: Benign for Lethal congenital glycogen storage disease of heart. Last evaluated: 2022-03-23. Review status: criteria provided, single submitter. Criteria: Invitae Variant Classification Sherloc (09022015). Collection method: clinical testing. Allele origin: germline.

NM_016203.4(PRKAG2):c.68A>G (p.Lys23Arg)

Gene: PRKAG2 (protein kinase AMP-activated non-catalytic subunit gamma 2; minus strand). Cytogenetic location: 7q36.1.
Variant type: single nucleotide variant.
Coding change: c.68A>G on transcript NM_016203.4 (MANE Select); coding-DNA position 68, A replaced by G.
Protein change: p.Lys23Arg; replaces lysine 23 with arginine.
Molecular consequence: missense variant.
Genome position (GRCh38, 1-based): chr7:151,876,553, T>C on the plus strand (A>G on the coding strand, the complement: PRKAG2 is on the minus strand). VCF-style: chr7-151876553-T-C. GRCh37 (hg19) VCF-style: chr7-151573638-T-C.
Other names: short protein forms K23R.
Identifiers: ClinVar variation 628742 (VCV000628742.9), dbSNP rs1280299073, ClinGen allele CA370071935.
Genomic context (GRCh38, chr7:151,876,553, plus strand): 5'-GTGCTGGGACTCACCGGAATGTGCACGCGCAGCGAACGCCTCTTCTGGCTGGCATTTTTC[T>C]TGCCGCCGCTCCCGCCGGGGCTGGAAACATCTTTTTTCTTCTTGGTGTCCATAACCGCGC-3'
Protein context (NP_057287.2, residues 13-33): DVSSPGGSGG[Lys23Arg]KNASQKRRSL